The following is an entry in ClinVar:

ClinVar aggregate classification (germline): Pathogenic (1 of 4 stars; one submission).

Conditions:
Congenital hyperammonemia, type I. Also called: Carbamoyl-phosphate synthase I deficiency; CPS I DEFICIENCY; Carbamoyl phosphate synthetase I deficiency disease; Carbamoyl phosphate synthetase 1 deficiency; Hyperammonemia due to carbamoyl phosphate synthetase 1 deficiency; CPS 1 deficiency. Identifiers: Orphanet 147, MedGen C4082171, MONDO:0009376, OMIM 237300.

Allele frequency attached by ClinVar (database versions not stated): TOPMed below 0.00001.

Submission:

Labcorp Genetics (formerly Invitae), Labcorp
Classification: Pathogenic for Congenital hyperammonemia, type I. Last evaluated: 2022-07-23. Review status: criteria provided, single submitter. Criteria: Invitae Variant Classification Sherloc (09022015). Collection method: clinical testing. Allele origin: germline.
Comment: For these reasons, this variant has been classified as Pathogenic. This variant has not been reported in the literature in individuals affected with CPS1-related conditions. This variant is not present in population databases (gnomAD no frequency). This sequence change creates a premature translational stop signal (p.Val409Leufs*12) in the CPS1 gene. It is expected to result in an absent or disrupted protein product. Loss-of-function variants in CPS1 are known to be pathogenic (PMID: 21120950).

Literature cited by the submitters: PubMed 21120950.

NM_001875.5(CPS1):c.1221_1222del (p.Val409fs)

Gene: CPS1 (carbamoyl-phosphate synthase 1; plus strand). Cytogenetic location: 2q34.
Variant type: Deletion.
Coding change: c.1221_1222del on transcript NM_001875.5 (MANE Select); coding-DNA positions 1221 to 1222, 2 bases deleted (AT; older notation c.1221_1222delAT).
Protein change: p.Val409fs; shifts the reading frame from valine 409.
Molecular consequence: frameshift variant. On other transcripts: non-coding transcript variant (2).
Genome position (GRCh38, 1-based): chr2:210,594,564-210,594,565, AT deleted. VCF-style (leftmost placement, unchanged base first): chr2-210594563-CAT-C. GRCh37 (hg19) VCF-style: chr2-211459287-CAT-C.
Other names: c.1221_1222del, p.Val409fs (NM_001122633.3, NM_001369257.1); c.1254_1255del, p.Val420fs (NM_001369256.1); short protein forms V420fs, V409fs.
Identifiers: ClinVar variation 1940644 (VCV001940644.5), dbSNP rs1574566640, ClinGen allele CA916765658.